The following is an entry in ClinVar:

NM_001170629.2(CHD8):c.941T>C (p.Ile314Thr)

Gene: CHD8 (chromodomain helicase DNA binding protein 8; minus strand). Cytogenetic location: 14q11.2.
Variant type: single nucleotide variant.
Coding change: c.941T>C on transcript NM_001170629.2 (MANE Select); coding-DNA position 941, T replaced by C.
Protein change: p.Ile314Thr; replaces isoleucine 314 with threonine.
Molecular consequence: missense variant.
Genome position (GRCh38, 1-based): chr14:21,429,238, A>G on the plus strand (T>C on the coding strand, the complement: CHD8 is on the minus strand). VCF-style: chr14-21429238-A-G. GRCh37 (hg19) VCF-style: chr14-21897397-A-G.
Other names: c.104T>C, p.Ile35Thr (NM_020920.4); short protein forms I35T, I314T.
Identifiers: ClinVar variation 1939413 (VCV001939413.5), dbSNP rs1889458014, ClinGen allele CA388885436.

ClinVar aggregate classification (germline): Uncertain significance (1 of 4 stars; one submission).

Allele frequency attached by ClinVar (database versions not stated): gnomAD 0.00001; TOPMed 0.00001.
gnomAD v4.1: 1 of 1,613,732 alleles (0.000062%); highest among the groups gnomAD compares: African/African-American, 0.0013%; no homozygotes.

Submission:

Labcorp Genetics (formerly Invitae), Labcorp
Classification: Uncertain significance. Last evaluated: 2022-06-30. Review status: criteria provided, single submitter. Criteria: Invitae Variant Classification Sherloc (09022015). Collection method: clinical testing. Allele origin: germline.
Comment: This sequence change replaces isoleucine, which is neutral and non-polar, with threonine, which is neutral and polar, at codon 314 of the CHD8 protein (p.Ile314Thr). In summary, the available evidence is currently insufficient to determine the role of this variant in disease. Therefore, it has been classified as a Variant of Uncertain Significance. Algorithms developed to predict the effect of missense changes on protein structure and function are either unavailable or do not agree on the potential impact of this missense change (SIFT: "Deleterious"; PolyPhen-2: "Possibly Damaging"; Align-GVGD: "Class C0"). This variant has not been reported in the literature in individuals affected with CHD8-related conditions. This variant is not present in population databases (gnomAD no frequency).